The following is an entry in ClinVar:

ClinVar aggregate classification (germline): Uncertain significance. Review status: criteria provided, multiple submitters, no conflicts (2 of 4 stars). 3 submissions from 3 submitters: Uncertain significance (3). Last evaluated 2024-04-17.

Conditions:
Arrhythmogenic cardiomyopathy with wooly hair and keratoderma. Also called: Dilated cardiomyopathy with woolly hair and keratoderma; Carvajal syndrome; Arrhythmogenic cardiomyopathy with woolly hair and keratoderma; PALMOPLANTAR KERATODERMA WITH LEFT VENTRICULAR CARDIOMYOPATHY AND WOOLLY HAIR. Identifiers: Orphanet 65282, MedGen C1854063, MONDO:0011581, OMIM 605676.
Arrhythmogenic right ventricular dysplasia 8 (ARVD8). Also called: ARRHYTHMOGENIC RIGHT VENTRICULAR DYSPLASIA, FAMILIAL, 8; ARRHYTHMOGENIC RIGHT VENTRICULAR CARDIOMYOPATHY 8; Arrhythmogenic Right Ventricular Dysplasia/Cardiomyopathy 8. Identifiers: MedGen C1843896, MONDO:0011831, OMIM 607450.

Submissions (3):

Blueprint Genetics
Classification: Uncertain significance. Last evaluated: 2024-04-17. Review status: criteria provided, single submitter. Criteria: ACMG Guidelines, 2015. Collection method: clinical testing. Allele origin: germline.

Labcorp Genetics (formerly Invitae), Labcorp
Classification: Uncertain significance for Arrhythmogenic cardiomyopathy with wooly hair and keratoderma; Arrhythmogenic right ventricular dysplasia 8. Last evaluated: 2024-01-13. Review status: criteria provided, single submitter. Criteria: Invitae Variant Classification Sherloc (09022015). Collection method: clinical testing. Allele origin: germline.
Comment: This sequence change replaces leucine, which is neutral and non-polar, with proline, which is neutral and non-polar, at codon 1088 of the DSP protein (p.Leu1088Pro). This variant is not present in population databases (gnomAD no frequency). This variant has not been reported in the literature in individuals affected with DSP-related conditions. An algorithm developed to predict the effect of missense changes on protein structure and function (PolyPhen-2) suggests that this variant is likely to be disruptive. In summary, the available evidence is currently insufficient to determine the role of this variant in disease. Therefore, it has been classified as a Variant of Uncertain Significance.

All of Us Research Program, National Institutes of Health
Classification: Uncertain significance for Arrhythmogenic cardiomyopathy with wooly hair and keratoderma. Last evaluated: 2023-04-03. Review status: criteria provided, single submitter. Criteria: ACMG Guidelines, 2015. Collection method: clinical testing. Allele origin: germline. Inheritance: Autosomal dominant inheritance. Observed: 1 variant allele, 1 heterozygote.
Comment: This missense variant replaces leucine with proline at codon 1088 of the DSP protein. Computational prediction suggests that this variant may not impact protein structure and function (internally defined REVEL score threshold <= 0.5, PMID: 27666373). To our knowledge, functional studies have not been reported for this variant. This variant has not been reported in individuals affected with DSP-related disorders in the literature. This variant has not been identified in the general population by the Genome Aggregation Database (gnomAD). The available evidence is insufficient to determine the role of this variant in disease conclusively. Therefore, this variant is classified as a Variant of Uncertain Significance.

This study involves interpretation of variants in research participants for the purpose of population health screening. Participant phenotype was not available at the time of variant classification. Additional details can be found in publication PMID: 35346344, PMCID: PMC8962531

NM_004415.4(DSP):c.3263T>C (p.Leu1088Pro)

Gene: DSP (desmoplakin; plus strand). Cytogenetic location: 6p24.3.
Variant type: single nucleotide variant.
Coding change: c.3263T>C on transcript NM_004415.4 (MANE Select); coding-DNA position 3263, T replaced by C.
Protein change: p.Leu1088Pro; replaces leucine 1088 with proline.
Molecular consequence: missense variant.
Genome position (GRCh38, 1-based): chr6:7,579,453, T>C. VCF-style: chr6-7579453-T-C. GRCh37 (hg19) VCF-style: chr6-7579686-T-C.
Other names: c.3263T>C, p.Leu1088Pro (NM_001008844.3, NM_001319034.2); short protein forms L1088P.
Identifiers: ClinVar variation 2922178 (VCV002922178.5), dbSNP rs2533922804, ClinGen allele CA362683460.